The following is an entry in ClinVar:

ClinVar aggregate classification (germline): Uncertain significance (1 of 4 stars; one submission).

Conditions:
Peroxisome biogenesis disorder 2B (PBD2B). Identifiers: Orphanet 44, MedGen C3550234, MONDO:0008736, OMIM 202370.

Allele frequency attached by ClinVar (database versions not stated): gnomAD exomes below 0.00001; TOPMed below 0.00001; gnomAD 0.00001 and 0.00002.
gnomAD v4.1: 4 of 1,613,782 alleles (0.00025%); highest among the groups gnomAD compares: East Asian, 0.0022%; no homozygotes.

Submission:

Labcorp Genetics (formerly Invitae), Labcorp
Classification: Uncertain significance for Peroxisome biogenesis disorder 2B. Last evaluated: 2022-07-19. Review status: criteria provided, single submitter. Criteria: Invitae Variant Classification Sherloc (09022015). Collection method: clinical testing. Allele origin: germline.
Comment: This sequence change replaces phenylalanine, which is neutral and non-polar, with cysteine, which is neutral and slightly polar, at codon 144 of the PEX5 protein (p.Phe144Cys). This variant is present in population databases (no rsID available, gnomAD 0.06%). This variant has not been reported in the literature in individuals affected with PEX5-related conditions. ClinVar contains an entry for this variant (Variation ID: 1419685). Algorithms developed to predict the effect of missense changes on protein structure and function are either unavailable or do not agree on the potential impact of this missense change (SIFT: "Tolerated"; PolyPhen-2: "Possibly Damaging"; Align-GVGD: "Class C25"). In summary, the available evidence is currently insufficient to determine the role of this variant in disease. Therefore, it has been classified as a Variant of Uncertain Significance.

NM_001351132.2(PEX5):c.431T>G (p.Phe144Cys)

Gene: PEX5 (peroxisomal biogenesis factor 5; plus strand). Cytogenetic location: 12p13.31.
Variant type: single nucleotide variant.
Coding change: c.431T>G on transcript NM_001351132.2 (MANE Select); coding-DNA position 431, T replaced by G.
Protein change: p.Phe144Cys; replaces phenylalanine 144 with cysteine.
Molecular consequence: missense variant.
Genome position (GRCh38, 1-based): chr12:7,191,683, T>G. VCF-style: chr12-7191683-T-G. GRCh37 (hg19) VCF-style: chr12-7344279-T-G.
Other names: c.431T>G, p.Phe144Cys (NM_000319.5, NM_001131024.2, NM_001131025.2 and 19 more transcripts); c.476T>G, p.Phe159Cys (NM_001131023.2, NM_001351135.3, NM_001351138.2); short protein forms F159C, F144C.
Identifiers: ClinVar variation 1419685 (VCV001419685.3), dbSNP rs1175995959, ClinGen allele CA383712734.